The following is an entry in ClinVar:

NM_001083961.2(WDR62):c.2026T>G (p.Leu676Val)

Gene: WDR62 (WD repeat domain 62; plus strand). Cytogenetic location: 19q13.12.
Variant type: single nucleotide variant.
Coding change: c.2026T>G on transcript NM_001083961.2 (MANE Select); coding-DNA position 2026, T replaced by G.
Protein change: p.Leu676Val; replaces leucine 676 with valine.
Molecular consequence: missense variant.
Genome position (GRCh38, 1-based): chr19:36,090,512, T>G. VCF-style: chr19-36090512-T-G. GRCh37 (hg19) VCF-style: chr19-36581414-T-G.
Other names: c.2011T>G, p.Leu671Val (NM_001411145.1); c.2026T>G, p.Leu676Val (NM_001411146.1, NM_173636.5); c.1675T>G, p.Leu559Val (NM_001411147.1); short protein forms L559V, L671V, L676V.
Identifiers: ClinVar variation 4823751 (VCV004823751.4).

ClinVar aggregate classification (germline): Uncertain significance (1 of 4 stars; one submission).

Submission:

CeGaT Center for Human Genetics Tuebingen
Classification: Uncertain significance. Last evaluated: 2026-03-01. Review status: criteria provided, single submitter. Criteria: CeGaT Center For Human Genetics Tuebingen Variant Classification Criteria Version 2. Collection method: clinical testing. Allele origin: germline. Affected: yes. Observed: 1 variant allele.
Comment: WDR62: PM2